The following is an entry in ClinVar:

NM_001382567.1(STIM1):c.1025A>G (p.Tyr342Cys)

Gene: STIM1 (stromal interaction molecule 1; plus strand). Cytogenetic location: 11p15.4.
Variant type: single nucleotide variant.
Coding change: c.1025A>G on transcript NM_001382567.1 (MANE Select); coding-DNA position 1025, A replaced by G.
Protein change: p.Tyr342Cys; replaces tyrosine 342 with cysteine.
Molecular consequence: missense variant. On other transcripts: non-coding transcript variant (2).
Genome position (GRCh38, 1-based): chr11:4,082,239, A>G. VCF-style: chr11-4082239-A-G. GRCh37 (hg19) VCF-style: chr11-4103469-A-G.
Other names: c.1025A>G, p.Tyr342Cys (NM_001277961.3, NM_001277962.2, NM_001382568.1 and 1 more transcripts); c.803A>G, p.Tyr268Cys (NM_001382566.1, NM_001382573.1, NM_001382575.1 and 4 more transcripts); c.890A>G, p.Tyr297Cys (NM_001382569.1); c.797A>G, p.Tyr266Cys (NM_001382570.1); c.545A>G, p.Tyr182Cys (NM_001382571.1); c.536A>G, p.Tyr179Cys (NM_001382580.1, NM_001382581.1); short protein forms Y342C, Y179C, Y182C, Y266C, Y268C, Y297C.
Identifiers: ClinVar variation 571662 (VCV000571662.10), dbSNP rs1565170451, ClinGen allele CA379192381.

ClinVar aggregate classification (germline): Uncertain significance (1 of 4 stars; one submission).

Conditions:
Combined immunodeficiency due to STIM1 deficiency. Also called: STIM1 DEFICIENCY; IMMUNODEFICIENCY 10. Identifiers: Orphanet 169090, Orphanet 317430, MedGen C2748557, MONDO:0013008, OMIM 612783.
Myopathy with tubular aggregates (TAM). Also called: Tubular Aggregate Myopathy. Identifiers: Orphanet 2593, MedGen C0410207, MONDO:0008051.
Stormorken syndrome (STRMK). Also called: THROMBOCYTOPATHY, ASPLENIA, AND MIOSIS. Identifiers: Orphanet 3204, MedGen C1861451, MONDO:0008497, OMIM 185070.

Allele frequency attached by ClinVar (database versions not stated): gnomAD 0.00001.
gnomAD v4.1: 1 of 1,613,966 alleles (0.000062%); highest among the groups gnomAD compares: Non-Finnish European, 0.000085%; no homozygotes.

Submission:

Labcorp Genetics (formerly Invitae), Labcorp
Classification: Uncertain significance for Myopathy with tubular aggregates; Combined immunodeficiency due to STIM1 deficiency; Stormorken syndrome. Last evaluated: 2022-03-13. Review status: criteria provided, single submitter. Criteria: Invitae Variant Classification Sherloc (09022015). Collection method: clinical testing. Allele origin: germline.
Comment: In summary, the available evidence is currently insufficient to determine the role of this variant in disease. Therefore, it has been classified as a Variant of Uncertain Significance. Algorithms developed to predict the effect of missense changes on protein structure and function (SIFT, PolyPhen-2, Align-GVGD) all suggest that this variant is likely to be tolerated. ClinVar contains an entry for this variant (Variation ID: 571662). This variant has not been reported in the literature in individuals affected with STIM1-related conditions. This variant is not present in population databases (gnomAD no frequency). This sequence change replaces tyrosine, which is neutral and polar, with cysteine, which is neutral and slightly polar, at codon 342 of the STIM1 protein (p.Tyr342Cys).